The following is an entry in ClinVar:

ClinVar aggregate classification (germline): Uncertain significance (1 of 4 stars; one submission).

Conditions:
COG7 congenital disorder of glycosylation (CDG2E). Also called: CONGENITAL DISORDER OF GLYCOSYLATION, TYPE IIe; CDG IIe. Identifiers: Orphanet 79333, MedGen C2931010, MONDO:0012118, OMIM 608779.

Allele frequency attached by ClinVar (database versions not stated): gnomAD exomes 0.00001.
gnomAD v4.1: 9 of 1,603,446 alleles (0.00056%); highest among the groups gnomAD compares: Non-Finnish European, 0.00077%; no homozygotes.

Submission:

Labcorp Genetics (formerly Invitae), Labcorp
Classification: Uncertain significance for COG7 congenital disorder of glycosylation. Last evaluated: 2022-07-19. Review status: criteria provided, single submitter. Criteria: Invitae Variant Classification Sherloc (09022015). Collection method: clinical testing. Allele origin: germline.
Comment: In summary, the available evidence is currently insufficient to determine the role of this variant in disease. Therefore, it has been classified as a Variant of Uncertain Significance. Algorithms developed to predict the effect of missense changes on protein structure and function are either unavailable or do not agree on the potential impact of this missense change (SIFT: "Deleterious"; PolyPhen-2: "Probably Damaging"; Align-GVGD: "Class C0"). This variant has not been reported in the literature in individuals affected with COG7-related conditions. This variant is not present in population databases (gnomAD no frequency). This sequence change replaces serine, which is neutral and polar, with arginine, which is basic and polar, at codon 59 of the COG7 protein (p.Ser59Arg).

NM_153603.4(COG7):c.177T>G (p.Ser59Arg)

Gene: COG7 (component of oligomeric golgi complex 7; minus strand). Cytogenetic location: 16p12.2.
Variant type: single nucleotide variant.
Coding change: c.177T>G on transcript NM_153603.4 (MANE Select); coding-DNA position 177, T replaced by G.
Protein change: p.Ser59Arg; replaces serine 59 with arginine.
Molecular consequence: missense variant.
Genome position (GRCh38, 1-based): chr16:23,445,954, A>C on the plus strand (T>G on the coding strand, the complement: COG7 is on the minus strand). VCF-style: chr16-23445954-A-C. GRCh37 (hg19) VCF-style: chr16-23457275-A-C.
Other names: short protein forms S59R.
Identifiers: ClinVar variation 1973073 (VCV001973073.5), dbSNP rs899529052, ClinGen allele CA395117834.
Genomic context (GRCh38, chr16:23,445,954, plus strand): 5'-CTCCTGTTTTAGGGCTTCAACATCACGGAGCACTTTGGGCATGTTCTGGAGAGCTTGGTG[A>C]CTTGTTTCTGTAGTTAAAAAAAAAAAAAAAAACAACAACAACAGCGATAGCCACAAAAGG-3'
Protein context (NP_705831.1, residues 49-69): QEVNHAVEET[Ser59Arg]HQALQNMPKV